The following is an entry in ClinVar:

NM_004393.6(DAG1):c.2555C>T (p.Pro852Leu)

Gene: DAG1 (dystroglycan 1; plus strand). Cytogenetic location: 3p21.31.
Variant type: single nucleotide variant.
Coding change: c.2555C>T on transcript NM_004393.6 (MANE Select); coding-DNA position 2555, C replaced by T.
Protein change: p.Pro852Leu; replaces proline 852 with leucine.
Molecular consequence: missense variant.
Genome position (GRCh38, 1-based): chr3:49,533,066, C>T. VCF-style: chr3-49533066-C-T. GRCh37 (hg19) VCF-style: chr3-49570499-C-T.
Other names: c.2555C>T, p.Pro852Leu (NM_001165928.4, NM_001177634.3, NM_001177635.3 and 9 more transcripts); short protein forms P852L.
Identifiers: ClinVar variation 1365571 (VCV001365571.3), dbSNP rs764827670, ClinGen allele CA2399286.

ClinVar aggregate classification (germline): Uncertain significance (1 of 4 stars; one submission).

Conditions:
Muscular dystrophy-dystroglycanopathy (congenital with brain and eye anomalies), type A9. Also called: Muscular dystrophy-dystroglycanopathy (congenital with brain and eye anomalies), type a, 9; WALKER-WARBURG SYNDROME OR MUSCLE-EYE BRAIN DISEASE, DAG1-RELATED. Identifiers: Orphanet 370997, Orphanet 899, MedGen C4225291, MONDO:0014683, OMIM 616538.
Autosomal recessive limb-girdle muscular dystrophy type 2P. Also called: Limb-Girdle Muscular Dystrophy Type 9C; MUSCULAR DYSTROPHY, LIMB-GIRDLE, TYPE 2P; MUSCULAR DYSTROPHY-DYSTROGLYCANOPATHY, LIMB-GIRDLE, DAG1-RELATED. Identifiers: Orphanet 280333, MedGen C4511963, MONDO:0013440, OMIM 613818.

Allele frequency attached by ClinVar (database versions not stated): gnomAD exomes below 0.00001; TOPMed below 0.00001; ExAC 0.00001.
gnomAD v4.1: 4 of 1,614,172 alleles (0.00025%); highest among the groups gnomAD compares: Non-Finnish European, 0.00034%; no homozygotes.

Submission:

Labcorp Genetics (formerly Invitae), Labcorp
Classification: Uncertain significance for Autosomal recessive limb-girdle muscular dystrophy type 2P; Muscular dystrophy-dystroglycanopathy (congenital with brain and eye anomalies), type A9. Last evaluated: 2022-04-08. Review status: criteria provided, single submitter. Criteria: Invitae Variant Classification Sherloc (09022015). Collection method: clinical testing. Allele origin: germline.
Comment: This sequence change replaces proline, which is neutral and non-polar, with leucine, which is neutral and non-polar, at codon 852 of the DAG1 protein (p.Pro852Leu). This variant is present in population databases (rs764827670, gnomAD 0.003%). This variant has not been reported in the literature in individuals affected with DAG1-related conditions. Algorithms developed to predict the effect of missense changes on protein structure and function are either unavailable or do not agree on the potential impact of this missense change (SIFT: "Tolerated"; PolyPhen-2: "Probably Damaging"; Align-GVGD: "Class C0"). In summary, the available evidence is currently insufficient to determine the role of this variant in disease. Therefore, it has been classified as a Variant of Uncertain Significance.